The following is an entry in ClinVar:

NM_000368.5(TSC1):c.719A>G (p.His240Arg)

Gene: TSC1 (TSC complex subunit 1; minus strand). Cytogenetic location: 9q34.13.
Variant type: single nucleotide variant.
Coding change: c.719A>G on transcript NM_000368.5 (MANE Select); coding-DNA position 719, A replaced by G.
Protein change: p.His240Arg; replaces histidine 240 with arginine.
Molecular consequence: missense variant. On other transcripts: 5 prime UTR variant (1), non-coding transcript variant (5), intron variant (4).
Genome position (GRCh38, 1-based): chr9:132,921,381, T>C on the plus strand (A>G on the coding strand, the complement: TSC1 is on the minus strand). VCF-style: chr9-132921381-T-C. GRCh37 (hg19) VCF-style: chr9-135796768-T-C.
Other names: c.719A>G, p.His240Arg (NM_001162426.2, NM_001406592.1, NM_001406593.1 and 16 more transcripts); c.566A>G, p.His189Arg (NM_001162427.2, NM_001406610.1, NM_001406611.1 and 2 more transcripts); c.356A>G, p.His119Arg (NM_001362177.2, NM_001406614.1, NM_001406615.1 and 10 more transcripts); c.-375A>G (NM_001406630.1); c.-215+438A>G (NM_001406627.1, NM_001406628.1, NM_001406626.1); c.-357+438A>G (NM_001406629.1); short protein forms H119R, H189R, H240R.
Identifiers: ClinVar variation 3231328 (VCV003231328.1), dbSNP rs1342213631, ClinGen allele CA375371274.

ClinVar aggregate classification (germline): Uncertain significance (1 of 4 stars; one submission).

Conditions:
Hereditary cancer-predisposing syndrome. Also called: Neoplastic Syndromes, Hereditary; Tumor predisposition; Hereditary neoplastic syndrome; Hereditary Cancer Syndrome. Identifiers: Orphanet 140162, MedGen C0027672, MeSH D009386, MONDO:0015356.

Allele frequency attached by ClinVar (database versions not stated): gnomAD exomes below 0.00001.
gnomAD v4.1: 3 of 1,614,178 alleles (0.00019%); highest among the groups gnomAD compares: East Asian, 0.0045%; no homozygotes.

Submission:

Ambry Genetics
Classification: Uncertain significance for Hereditary cancer-predisposing syndrome. Last evaluated: 2021-11-18. Review status: criteria provided, single submitter. Criteria: Ambry Variant Classification Scheme 2023. Collection method: clinical testing. Allele origin: germline.
Comment: The p.H240R variant (also known as c.719A>G), located in coding exon 6 of the TSC1 gene, results from an A to G substitution at nucleotide position 719. The histidine at codon 240 is replaced by arginine, an amino acid with highly similar properties. This amino acid position is well conserved in available vertebrate species. In addition, the in silico prediction for this alteration is inconclusive. Since supporting evidence is limited at this time, the clinical significance of this alteration remains unclear.